The following is an entry in ClinVar:

ClinVar aggregate classification (germline): Uncertain significance. Review status: criteria provided, multiple submitters, no conflicts (2 of 4 stars). 2 submissions from 2 submitters: Uncertain significance (2). Last evaluated 2025-05-18.

Conditions:
Inborn genetic diseases. Identifiers: MedGen C0950123, MeSH D030342.

gnomAD v4.1: 10 of 1,551,052 alleles (0.00064%); highest among the groups gnomAD compares: East Asian, 0.0071%; no homozygotes.

Submissions (2):

Ambry Genetics
Classification: Uncertain significance for Inborn genetic diseases. Last evaluated: 2025-05-18. Review status: criteria provided, single submitter. Criteria: Ambry Variant Classification Scheme 2023. Collection method: clinical testing. Allele origin: germline.

Labcorp Genetics (formerly Invitae), Labcorp
Classification: Uncertain significance. Last evaluated: 2022-10-25. Review status: criteria provided, single submitter. Criteria: Invitae Variant Classification Sherloc (09022015). Collection method: clinical testing. Allele origin: germline.
Comment: This sequence change replaces proline, which is neutral and non-polar, with leucine, which is neutral and non-polar, at codon 5 of the OSTM1 protein (p.Pro5Leu). The frequency data for this variant in the population databases is considered unreliable, as metrics indicate poor data quality at this position in the gnomAD database. This variant has not been reported in the literature in individuals affected with OSTM1-related conditions. ClinVar contains an entry for this variant (Variation ID: 1378677). Algorithms developed to predict the effect of missense changes on protein structure and function output the following: SIFT: "Tolerated"; PolyPhen-2: "Benign"; Align-GVGD: "Class C0". The leucine amino acid residue is found in multiple mammalian species, which suggests that this missense change does not adversely affect protein function. In summary, the available evidence is currently insufficient to determine the role of this variant in disease. Therefore, it has been classified as a Variant of Uncertain Significance.

NM_014028.4(OSTM1):c.14C>T (p.Pro5Leu)

Genes: OSTM1 (osteoclastogenesis associated transmembrane protein 1; minus strand), LOC129996933 (ATAC-STARR-seq lymphoblastoid silent region 17446; plus strand). Cytogenetic location: 6q21.
Variant type: single nucleotide variant.
Coding change: c.14C>T on transcript NM_014028.4 (MANE Select); coding-DNA position 14, C replaced by T.
Protein change: p.Pro5Leu; replaces proline 5 with leucine.
Molecular consequence: missense variant.
Genome position (GRCh38, 1-based): chr6:108,074,638, G>A on the plus strand (C>T on the coding strand, the complement: OSTM1 is on the minus strand). VCF-style: chr6-108074638-G-A. GRCh37 (hg19) VCF-style: chr6-108395842-G-A.
Other names: c.14C>T (NM_014028.3); short protein forms P5L.
Identifiers: ClinVar variation 1378677 (VCV001378677.7), dbSNP rs368859294, ClinGen allele CA145661204.